The following is an entry in ClinVar:

ClinVar aggregate classification (germline): Pathogenic (1 of 4 stars; one submission).

Conditions:
Isovaleryl-CoA dehydrogenase deficiency (IVA). Also called: IVD DEFICIENCY; Classic Isovaleric Acidemia; ISOVALERIC ACID CoA DEHYDROGENASE DEFICIENCY; Isovaleric acidemia. Identifiers: Orphanet 33, MedGen C0268575, MONDO:0009475, OMIM 243500.

Submission:

Labcorp Genetics (formerly Invitae), Labcorp
Classification: Pathogenic for Isovaleryl-CoA dehydrogenase deficiency. Last evaluated: 2019-08-12. Review status: criteria provided, single submitter. Criteria: Invitae Variant Classification Sherloc (09022015). Collection method: clinical testing. Allele origin: germline.
Comment: This variant is a gross deletion of the genomic region encompassing exons 1-3 of the IVD gene, which includes the initiator codon. The 5' end of this event is unknown as it extends beyond the assayed region for this gene and therefore may encompass additional genes. The 3' boundary is likely confined to intron 3 of the IVD gene. This is expected to result in an absent or disrupted protein product. This variant has been observed in an individual affected with isovaleric acidemia (PMID: 27904153). Loss-of-function variants in IVD are known to be pathogenic (PMID: 16602101). For these reasons, this variant has been classified as Pathogenic.

Literature cited by the submitters: PubMed 27904153.

NC_000015.9:g.(?_40698000)_(40700209_?)del

Gene: IVD (isovaleryl-CoA dehydrogenase; plus strand). Cytogenetic location: 15q15.1.
Variant type: Deletion.
Identifiers: ClinVar variation 830632 (VCV000830632.1).